The following is an entry in ClinVar:

ClinVar aggregate classification (germline): Conflicting classifications of pathogenicity. Review status: criteria provided, conflicting classifications (1 of 4 stars). 3 submissions from 2 submitters: Uncertain significance (2); Benign (1). Last evaluated 2021-08-20.

Conditions:
Emery-Dreifuss muscular dystrophy 4, autosomal dominant (EDMD4). Also called: EMERY-DREIFUSS MUSCULAR DYSTROPHY 4 WITH VARIABLE FEATURES. Identifiers: Orphanet 261, MedGen C2751807, MONDO:0013071, OMIM 612998.
Autosomal recessive ataxia, Beauce type. Also called: ATAXIA, RECESSIVE, OF BEAUCE; SYNE1 Deficiency; SYNE1-Related Autosomal Recessive Cerebellar Ataxia; Spinocerebellar ataxia, autosomal recessive 8. Identifiers: Orphanet 88644, MedGen C1853116, MONDO:0012549, OMIM 610743.

Allele frequency attached by ClinVar (database versions not stated): TOPMed below 0.00001; gnomAD 0.00001; gnomAD exomes 0.00001 and 0.00002; ExAC 0.00002.
gnomAD v4.1: 11 of 1,613,982 alleles (0.00068%); highest among the groups gnomAD compares: East Asian, 0.025%; no homozygotes.

Submissions (3):

Labcorp Genetics (formerly Invitae), Labcorp
Classification: Uncertain significance for Emery-Dreifuss muscular dystrophy 4, autosomal dominant; Autosomal recessive ataxia, Beauce type. Last evaluated: 2021-08-20. Review status: criteria provided, single submitter. Criteria: Invitae Variant Classification Sherloc (09022015). Collection method: clinical testing. Allele origin: germline.
Comment: This sequence change replaces aspartic acid with glutamic acid at codon 3887 of the SYNE1 protein (p.Asp3887Glu). The aspartic acid residue is highly conserved and there is a small physicochemical difference between aspartic acid and glutamic acid. This variant is present in population databases (rs775097525, ExAC 0.03%). This variant has not been reported in the literature in individuals affected with SYNE1-related conditions. ClinVar contains an entry for this variant (Variation ID: 906161). Algorithms developed to predict the effect of missense changes on protein structure and function are either unavailable or do not agree on the potential impact of this missense change (SIFT: "Deleterious"; PolyPhen-2: "Benign"; Align-GVGD: "Class C35"). In summary, the available evidence is currently insufficient to determine the role of this variant in disease. Therefore, it has been classified as a Variant of Uncertain Significance.

Illumina Laboratory Services, Illumina
Classification: Uncertain significance for Autosomal recessive ataxia, Beauce type. Last evaluated: 2018-01-12. Review status: criteria provided, single submitter. Criteria: ICSL Variant Classification Criteria 13 December 2019. Collection method: clinical testing. Allele origin: germline.

Illumina Laboratory Services, Illumina
Classification: Benign for Emery-Dreifuss muscular dystrophy 4, autosomal dominant. Last evaluated: 2018-01-12. Review status: criteria provided, single submitter. Criteria: ICSL Variant Classification Criteria 13 December 2019. Collection method: clinical testing. Allele origin: germline.
Comment: This variant was observed in the ICSL laboratory as part of a predisposition screen in an ostensibly healthy population. It had not been previously curated by ICSL or reported in the Human Gene Mutation Database (HGMD: prior to June 1st, 2018), and was therefore a candidate for classification through an automated scoring system. Utilizing variant allele frequency, disease prevalence and penetrance estimates, and inheritance mode, an automated score was calculated to assess if this variant is too frequent to cause the disease. Based on the score and internal cut-off values, a variant classified as benign is not then subjected to further curation. The score for this variant resulted in a classification of benign for this disease.

NM_182961.4(SYNE1):c.11706T>A (p.Asp3902Glu)

Gene: SYNE1 (spectrin repeat containing nuclear envelope protein 1; minus strand). Cytogenetic location: 6q25.2.
Variant type: single nucleotide variant.
Coding change: c.11706T>A on transcript NM_182961.4 (MANE Select); coding-DNA position 11706, T replaced by A.
Protein change: p.Asp3902Glu; replaces aspartic acid 3902 with glutamic acid.
Molecular consequence: missense variant.
Genome position (GRCh38, 1-based): chr6:152,350,645, A>T on the plus strand (T>A on the coding strand, the complement: SYNE1 is on the minus strand). VCF-style: chr6-152350645-A-T. GRCh37 (hg19) VCF-style: chr6-152671780-A-T.
Other names: c.11661T>A, p.Asp3887Glu (NM_033071.5); short protein forms D3887E, D3902E.
Identifiers: ClinVar variation 906161 (VCV000906161.8), dbSNP rs775097525, ClinGen allele CA4056620.